The following is an entry in ClinVar:

NM_001134407.3(GRIN2A):c.4208C>T (p.Ser1403Leu)

Gene: GRIN2A (glutamate ionotropic receptor NMDA type subunit 2A; minus strand). Cytogenetic location: 16p13.2.
Variant type: single nucleotide variant.
Coding change: c.4208C>T on transcript NM_001134407.3 (MANE Select); coding-DNA position 4208, C replaced by T.
Protein change: p.Ser1403Leu; replaces serine 1403 with leucine.
Molecular consequence: missense variant. On other transcripts: 3 prime UTR variant (1).
Genome position (GRCh38, 1-based): chr16:9,763,336, G>A on the plus strand (C>T on the coding strand, the complement: GRIN2A is on the minus strand). VCF-style: chr16-9763336-G-A. GRCh37 (hg19) VCF-style: chr16-9857193-G-A.
Other names: c.4208C>T, p.Ser1403Leu (NM_000833.5); c.*19C>T (NM_001134408.2); short protein forms S1403L.
Identifiers: ClinVar variation 1519360 (VCV001519360.6), dbSNP rs1456715393, ClinGen allele CA394705766.

ClinVar aggregate classification (germline): Uncertain significance (1 of 4 stars; one submission).

Conditions:
Landau-Kleffner syndrome (FESD). Also called: EPILEPSY, FOCAL, WITH SPEECH DISORDER AND WITH OR WITHOUT MENTAL RETARDATION; APHASIA, ACQUIRED, WITH EPILEPSY. Identifiers: Orphanet 1945, Orphanet 725, Orphanet 98818, MedGen C0282512, MONDO:0009509, OMIM 245570.

gnomAD v4.1: 6 of 1,614,096 alleles (0.00037%); highest among the groups gnomAD compares: Non-Finnish European, 0.00042%; no homozygotes.

Submission:

Labcorp Genetics (formerly Invitae), Labcorp
Classification: Uncertain significance for Landau-Kleffner syndrome. Last evaluated: 2021-10-17. Review status: criteria provided, single submitter. Criteria: Invitae Variant Classification Sherloc (09022015). Collection method: clinical testing. Allele origin: germline.
Comment: This sequence change replaces serine with leucine at codon 1403 of the GRIN2A protein (p.Ser1403Leu). The serine residue is moderately conserved and there is a large physicochemical difference between serine and leucine. This variant is not present in population databases (ExAC no frequency). This variant has not been reported in the literature in individuals affected with GRIN2A-related conditions. Advanced modeling of protein sequence and biophysical properties (such as structural, functional, and spatial information, amino acid conservation, physicochemical variation, residue mobility, and thermodynamic stability) performed at Invitae indicates that this missense variant is not expected to disrupt GRIN2A protein function. In summary, the available evidence is currently insufficient to determine the role of this variant in disease. Therefore, it has been classified as a Variant of Uncertain Significance.